The following is an entry in ClinVar:

ClinVar aggregate classification (germline): Conflicting classifications of pathogenicity. Review status: criteria provided, conflicting classifications (1 of 4 stars). 2 submissions from 2 submitters: Uncertain significance (1); Likely benign (1). Last evaluated 2023-03-23.

Conditions:
Hereditary cancer-predisposing syndrome. Also called: Hereditary Cancer Syndrome; Hereditary neoplastic syndrome; Neoplastic Syndromes, Hereditary; Tumor predisposition. Identifiers: Orphanet 140162, MedGen C0027672, MeSH D009386, MONDO:0015356.

Submissions (2):

University of Washington Department of Laboratory Medicine, University of Washington
Classification: Likely benign for Hereditary cancer-predisposing syndrome. Last evaluated: 2023-03-23. Review status: criteria provided, single submitter. Criteria: Dines et al. (Genet Med. 2020). Collection method: curation. Allele origin: germline.
Comment: Missense variant in a coldspot region where missense variants are very unlikely to be pathogenic (PMID:31911673).

BRCA2 exon 11 coldspot. Reclassification based on statistical prior probability.

Ambry Genetics
Classification: Uncertain significance for Hereditary cancer-predisposing syndrome. Last evaluated: 2020-09-29. Review status: criteria provided, single submitter. Criteria: Ambry Variant Classification Scheme 2023. Collection method: clinical testing. Allele origin: germline.
Comment: The p.Q1987P variant (also known as c.5960A>C), located in coding exon 10 of the BRCA2 gene, results from an A to C substitution at nucleotide position 5960. The glutamine at codon 1987 is replaced by proline, an amino acid with similar properties. This amino acid position is well conserved in available vertebrate species. In addition, the in silico prediction for this alteration is inconclusive. Since supporting evidence is limited at this time, the clinical significance of this alteration remains unclear.

NM_000059.4(BRCA2):c.5960A>C (p.Gln1987Pro)

Gene: BRCA2 (BRCA2 DNA repair associated; plus strand). Cytogenetic location: 13q13.1.
Variant type: single nucleotide variant.
Coding change: c.5960A>C on transcript NM_000059.4 (MANE Select); coding-DNA position 5960, A replaced by C.
Protein change: p.Gln1987Pro; replaces glutamine 1987 with proline.
Molecular consequence: missense variant.
Genome position (GRCh38, 1-based): chr13:32,340,315, A>C. VCF-style: chr13-32340315-A-C. GRCh37 (hg19) VCF-style: chr13-32914452-A-C.
Other names: c.5960A>C, p.Gln1987Pro (NM_001406719.1, NM_001406720.1); short protein forms Q1987P.
Identifiers: ClinVar variation 1750735 (VCV001750735.4), dbSNP rs1364714267, ClinGen allele CA387787608.